The following is an entry in ClinVar:

NM_003978.5(PSTPIP1):c.446G>A (p.Arg149Gln)

Gene: PSTPIP1 (proline-serine-threonine phosphatase interacting protein 1; plus strand). Cytogenetic location: 15q24.3.
Variant type: single nucleotide variant.
Coding change: c.446G>A on transcript NM_003978.5 (MANE Select); coding-DNA position 446, G replaced by A.
Protein change: p.Arg149Gln; replaces arginine 149 with glutamine.
Molecular consequence: missense variant. On other transcripts: non-coding transcript variant (1).
Genome position (GRCh38, 1-based): chr15:77,028,582, G>A. VCF-style: chr15-77028582-G-A. GRCh37 (hg19) VCF-style: chr15-77320923-G-A.
Other names: c.446G>A, p.Arg149Gln (NM_001321135.2); c.419G>A, p.Arg140Gln (NM_001321136.2); c.641G>A, p.Arg214Gln (NM_001321137.1); short protein forms R140Q, R149Q, R214Q.
Identifiers: ClinVar variation 1519250 (VCV001519250.6), dbSNP rs1141042, ClinGen allele CA273755302.

ClinVar aggregate classification (germline): Uncertain significance (1 of 4 stars; one submission).

Conditions:
Pyogenic arthritis-pyoderma gangrenosum-acne syndrome (PAPA). Also called: FAMILIAL RECURRENT ARTHRITIS; PAPA SYNDROME. Identifiers: Orphanet 69126, MedGen C1858361, MONDO:0011462, OMIM 604416.

Allele frequency attached by ClinVar (database versions not stated): gnomAD exomes below 0.00001; TOPMed 0.00001; ESP Exome Variant Server 0.00008.

Submission:

Labcorp Genetics (formerly Invitae), Labcorp
Classification: Uncertain significance for Pyogenic arthritis-pyoderma gangrenosum-acne syndrome. Last evaluated: 2025-06-12. Review status: criteria provided, single submitter. Criteria: Invitae Variant Classification Sherloc (09022015). Collection method: clinical testing. Allele origin: germline.
Comment: This sequence change replaces arginine, which is basic and polar, with glutamine, which is neutral and polar, at codon 149 of the PSTPIP1 protein (p.Arg149Gln). The frequency data for this variant in the population databases is considered unreliable, as metrics indicate poor data quality at this position in the gnomAD database. This variant has not been reported in the literature in individuals affected with PSTPIP1-related conditions. ClinVar contains an entry for this variant (Variation ID: 1519250). Invitae Evidence Modeling of protein sequence and biophysical properties (such as structural, functional, and spatial information, amino acid conservation, physicochemical variation, residue mobility, and thermodynamic stability) indicates that this missense variant is not expected to disrupt PSTPIP1 protein function with a negative predictive value of 80%. In summary, the available evidence is currently insufficient to determine the role of this variant in disease. Therefore, it has been classified as a Variant of Uncertain Significance.